The following is an entry in ClinVar:

ClinVar aggregate classification (germline): Uncertain significance (1 of 4 stars; one submission).

Conditions:
Hepatic methionine adenosyltransferase deficiency. Also called: MAT I/III DEFICIENCY; Isolated Persistent Hypermethioninemia; Deficiency of methionine adenosyltransferase; Methionine adenosyltransferase deficiency. Identifiers: Orphanet 168598, MedGen C0268621, MeSH C564683, MONDO:0009607, OMIM 250850.

Submission:

Labcorp Genetics (formerly Invitae), Labcorp
Classification: Uncertain significance for Hepatic methionine adenosyltransferase deficiency. Last evaluated: 2025-06-26. Review status: criteria provided, single submitter. Criteria: Invitae Variant Classification Sherloc (09022015). Collection method: clinical testing. Allele origin: germline.
Comment: This sequence change replaces arginine, which is basic and polar, with leucine, which is neutral and non-polar, at codon 219 of the MAT1A protein (p.Arg219Leu). This variant is present in population databases (rs200894913, gnomAD 0.03%). This missense change has been observed in individual(s) with persistently elevated methionine (PMID: 24445979). ClinVar contains an entry for this variant (Variation ID: 574090). Invitae Evidence Modeling of protein sequence and biophysical properties (such as structural, functional, and spatial information, amino acid conservation, physicochemical variation, residue mobility, and thermodynamic stability) indicates that this missense variant is not expected to disrupt MAT1A protein function with a negative predictive value of 80%. In summary, the available evidence is currently insufficient to determine the role of this variant in disease. Therefore, it has been classified as a Variant of Uncertain Significance.

Literature cited by the submitters: PubMed 24445979.

NM_000429.3(MAT1A):c.656G>T (p.Arg219Leu)

Gene: MAT1A (methionine adenosyltransferase 1A; minus strand). Cytogenetic location: 10q22.3.
Variant type: single nucleotide variant.
Coding change: c.656G>T on transcript NM_000429.3 (MANE Select); coding-DNA position 656, G replaced by T.
Protein change: p.Arg219Leu; replaces arginine 219 with leucine.
Molecular consequence: missense variant.
Genome position (GRCh38, 1-based): chr10:80,276,488, C>A on the plus strand (G>T on the coding strand, the complement: MAT1A is on the minus strand). VCF-style: chr10-80276488-C-A. GRCh37 (hg19) VCF-style: chr10-82036244-C-A.
Other names: short protein forms R219L.
Identifiers: ClinVar variation 574090 (VCV000574090.9), dbSNP rs200894913, ClinGen allele CA5576738.
Genomic context (GRCh38, chr10:80,276,488, plus strand): 5'-TCTTCGTCCAGGTACTTGGCCGGCACCACGGCCCTGATGACTTGCTCCTTCAGGGCCCTG[C>A]GCATCTCCTCCAGCGTGATGTCTTCGTTGTGCTGCACAGAGATGACGATGGTGTGGATGC-3'
Protein context (NP_000420.1, residues 209-229): HNEDITLEEM[Arg219Leu]RALKEQVIRA